The following is an entry in ClinVar:

ClinVar aggregate classification (germline): Uncertain significance (1 of 4 stars; one submission).

Conditions:
Inborn genetic diseases. Identifiers: MedGen C0950123, MeSH D030342.

Allele frequency attached by ClinVar (database versions not stated): gnomAD 0.00015; TOPMed 0.00019; 1000 Genomes Project 0.00020; ExAC 0.00023; gnomAD exomes 0.00029; 1000 Genomes Project 30x 0.00031; ESP Exome Variant Server 0.00038.
gnomAD v4.1: 436 of 1,614,150 alleles (0.027%); highest among the groups gnomAD compares: Middle Eastern, 0.082%; no homozygotes.

Submission:

Ambry Genetics
Classification: Uncertain significance for Inborn genetic diseases. Last evaluated: 2021-12-23. Review status: criteria provided, single submitter. Criteria: Ambry Variant Classification Scheme 2023. Collection method: clinical testing. Allele origin: germline.
Comment: The c.118C>A (p.Q40K) alteration is located in exon 1 (coding exon 1) of the PCDHGC4 gene. This alteration results from a C to A substitution at nucleotide position 118, causing the glutamine (Q) at amino acid position 40 to be replaced by a lysine (K). This alteration is predicted to be tolerated by in silico analysis. Based on insufficient or conflicting evidence, the clinical significance of this alteration remains unclear.

NM_018928.3(PCDHGC4):c.118C>A (p.Gln40Lys)

Genes: PCDHG@ (protocadherin gamma cluster; plus strand), PCDHGA1 (protocadherin gamma subfamily A, 1; plus strand), PCDHGA10 (protocadherin gamma subfamily A, 10; plus strand), PCDHGA11 (protocadherin gamma subfamily A, 11; plus strand), PCDHGA12 (protocadherin gamma subfamily A, 12; plus strand) and 17 more. Cytogenetic location: 5q31.3.
Variant type: single nucleotide variant.
Coding change: c.118C>A on transcript NM_018928.3 (MANE Select); coding-DNA position 118, C replaced by A.
Protein change: p.Gln40Lys; replaces glutamine 40 with lysine.
Molecular consequence: missense variant. On other transcripts: intron variant (23).
Genome position (GRCh38, 1-based): chr5:141,485,291, C>A. VCF-style: chr5-141485291-C-A. GRCh37 (hg19) VCF-style: chr5-140864858-C-A.
Other names: c.118C>A, p.Gln40Lys (NM_032406.1); c.2422-9516C>A (NM_018912.3, NM_018923.3, NM_018918.3); c.2425-9516C>A (NM_018915.4, NM_018916.4, NM_018919.3 and 4 more transcripts); c.2410-9516C>A (NM_018922.3); c.2515-9516C>A (NM_018917.4); c.2416-9516C>A (NM_018924.5, NM_018927.4); c.2398-9516C>A (NM_003736.4, NM_018925.3); c.2419-9516C>A (NM_018926.3); and 6 more; short protein forms Q40K.
Identifiers: ClinVar variation 2403003 (VCV002403003.2), dbSNP rs114678203, ClinGen allele CA3477680.